The following is an entry in ClinVar:

NM_001365902.3(NFIX):c.1220T>C (p.Val407Ala)

Gene: NFIX (nuclear factor I X; plus strand). Cytogenetic location: 19p13.13.
Variant type: single nucleotide variant.
Coding change: c.1220T>C on transcript NM_001365902.3 (MANE Select); coding-DNA position 1220, T replaced by C.
Protein change: p.Val407Ala; replaces valine 407 with alanine.
Molecular consequence: missense variant.
Genome position (GRCh38, 1-based): chr19:13,081,821, T>C. VCF-style: chr19-13081821-T-C. GRCh37 (hg19) VCF-style: chr19-13192635-T-C.
Other names: c.1244T>C, p.Val415Ala (NM_001271043.2); c.1196T>C, p.Val399Ala (NM_001271044.3, NM_001378404.1); c.1097T>C, p.Val366Ala (NM_001365982.2); c.1079T>C, p.Val360Ala (NM_001365983.2); c.1217T>C, p.Val406Ala (NM_001365984.2, NM_001365985.2); c.1268T>C, p.Val423Ala (NM_001378405.1); c.1220T>C, p.Val407Ala (NM_002501.4); short protein forms V360A, V366A, V399A, V406A, V407A, V415A, V423A.
Identifiers: ClinVar variation 3906067 (VCV003906067.10).

ClinVar aggregate classification (germline): Uncertain significance (1 of 4 stars; one submission).

Submission:

CeGaT Center for Human Genetics Tuebingen
Classification: Uncertain significance. Last evaluated: 2025-06-01. Review status: criteria provided, single submitter. Criteria: CeGaT Center For Human Genetics Tuebingen Variant Classification Criteria Version 2. Collection method: clinical testing. Allele origin: germline. Affected: yes. Observed: 1 variant allele.
Comment: NFIX: PM2, PP2